The following is an entry in ClinVar:

NM_006514.4(SCN10A):c.5548C>G (p.Gln1850Glu)

Gene: SCN10A (sodium voltage-gated channel alpha subunit 10; minus strand). Cytogenetic location: 3p22.2.
Variant type: single nucleotide variant.
Coding change: c.5548C>G on transcript NM_006514.4 (MANE Select); coding-DNA position 5548, C replaced by G.
Protein change: p.Gln1850Glu; replaces glutamine 1850 with glutamic acid.
Molecular consequence: missense variant.
Genome position (GRCh38, 1-based): chr3:38,697,672, G>C on the plus strand (C>G on the coding strand, the complement: SCN10A is on the minus strand). VCF-style: chr3-38697672-G-C. GRCh37 (hg19) VCF-style: chr3-38739163-G-C.
Other names: c.5545C>G, p.Gln1849Glu (NM_001293306.2); c.5254C>G, p.Gln1752Glu (NM_001293307.2); short protein forms Q1752E, Q1849E, Q1850E.
Identifiers: ClinVar variation 1163442 (VCV001163442.14), dbSNP rs149504103, ClinGen allele CA352152998.

ClinVar aggregate classification (germline): Uncertain significance. Review status: criteria provided, multiple submitters, no conflicts (2 of 4 stars). 3 submissions from 3 submitters: Uncertain significance (3). Last evaluated 2024-10-15.

Conditions:
Cardiovascular phenotype. Identifiers: MedGen CN230736.
Brugada syndrome. Also called: Sudden Unexplained Death Syndrome; Sudden Unexplained Nocturnal Death Syndrome (SUNDS); Sudden unexpected nocturnal death syndrome; Sudden unexplained nocturnal death syndrome. Identifiers: Orphanet 130, MedGen C1142166, MONDO:0015263.

gnomAD v4.1: 11 of 1,614,164 alleles (0.00068%); highest among the groups gnomAD compares: Non-Finnish European, 0.00093%; no homozygotes.

Submissions (3):

Labcorp Genetics (formerly Invitae), Labcorp
Classification: Uncertain significance for Brugada syndrome. Last evaluated: 2024-10-15. Review status: criteria provided, single submitter. Criteria: Invitae Variant Classification Sherloc (09022015). Collection method: clinical testing. Allele origin: germline.
Comment: This sequence change replaces glutamine, which is neutral and polar, with glutamic acid, which is acidic and polar, at codon 1850 of the SCN10A protein (p.Gln1850Glu). This variant is not present in population databases (gnomAD no frequency). This variant has not been reported in the literature in individuals affected with SCN10A-related conditions. ClinVar contains an entry for this variant (Variation ID: 1163442). An algorithm developed to predict the effect of missense changes on protein structure and function (PolyPhen-2) suggests that this variant is likely to be tolerated. In summary, the available evidence is currently insufficient to determine the role of this variant in disease. Therefore, it has been classified as a Variant of Uncertain Significance.

Ambry Genetics
Classification: Uncertain significance for Cardiovascular phenotype. Last evaluated: 2021-09-16. Review status: criteria provided, single submitter. Criteria: Ambry Variant Classification Scheme 2023. Collection method: clinical testing. Allele origin: germline.
Comment: The p.Q1850E variant (also known as c.5548C>G), located in coding exon 27 of the SCN10A gene, results from a C to G substitution at nucleotide position 5548. The glutamine at codon 1850 is replaced by glutamic acid, an amino acid with highly similar properties. This amino acid position is conserved. In addition, the in silico prediction for this alteration is inconclusive. Since supporting evidence is limited at this time, the clinical significance of this alteration remains unclear.

Mayo Clinic Laboratories, Mayo Clinic
Classification: Uncertain significance. Last evaluated: 2020-08-13. Review status: criteria provided, single submitter. Criteria: ACMG Guidelines, 2015. Collection method: clinical testing. Allele origin: germline. Observed: 1 variant allele.